The following is an entry in ClinVar:

NM_182961.4(SYNE1):c.3982C>T (p.Arg1328Trp)

Gene: SYNE1 (spectrin repeat containing nuclear envelope protein 1; minus strand). Cytogenetic location: 6q25.2.
Variant type: single nucleotide variant.
Coding change: c.3982C>T on transcript NM_182961.4 (MANE Select); coding-DNA position 3982, C replaced by T.
Protein change: p.Arg1328Trp; replaces arginine 1328 with tryptophan.
Molecular consequence: missense variant.
Genome position (GRCh38, 1-based): chr6:152,442,101, G>A on the plus strand (C>T on the coding strand, the complement: SYNE1 is on the minus strand). VCF-style: chr6-152442101-G-A. GRCh37 (hg19) VCF-style: chr6-152763236-G-A.
Other names: c.4003C>T, p.Arg1335Trp (NM_033071.5); short protein forms R1335W, R1328W.
Identifiers: ClinVar variation 471043 (VCV000471043.6), dbSNP rs1465224604, ClinGen allele CA366146414.

ClinVar aggregate classification (germline): Uncertain significance (1 of 4 stars; one submission).

Conditions:
Emery-Dreifuss muscular dystrophy 4, autosomal dominant (EDMD4). Also called: EMERY-DREIFUSS MUSCULAR DYSTROPHY 4 WITH VARIABLE FEATURES. Identifiers: Orphanet 261, MedGen C2751807, MONDO:0013071, OMIM 612998.
Autosomal recessive ataxia, Beauce type. Also called: SYNE1-Related Autosomal Recessive Cerebellar Ataxia; Spinocerebellar ataxia, autosomal recessive 8; ATAXIA, RECESSIVE, OF BEAUCE; SYNE1 Deficiency. Identifiers: Orphanet 88644, MedGen C1853116, MONDO:0012549, OMIM 610743.

Allele frequency attached by ClinVar (database versions not stated): gnomAD exomes below 0.00001; TOPMed 0.00002.
gnomAD v4.1: 8 of 1,613,862 alleles (0.0005%); highest among the groups gnomAD compares: East Asian, 0.0067%; no homozygotes.

Submission:

Labcorp Genetics (formerly Invitae), Labcorp
Classification: Uncertain significance for Emery-Dreifuss muscular dystrophy 4, autosomal dominant; Autosomal recessive ataxia, Beauce type. Last evaluated: 2022-08-16. Review status: criteria provided, single submitter. Criteria: Invitae Variant Classification Sherloc (09022015). Collection method: clinical testing. Allele origin: germline.
Comment: This sequence change replaces arginine, which is basic and polar, with tryptophan, which is neutral and slightly polar, at codon 1335 of the SYNE1 protein (p.Arg1335Trp). This variant is present in population databases (no rsID available, gnomAD 0.006%). This variant has not been reported in the literature in individuals affected with SYNE1-related conditions. ClinVar contains an entry for this variant (Variation ID: 471043). Algorithms developed to predict the effect of missense changes on protein structure and function are either unavailable or do not agree on the potential impact of this missense change (SIFT: "Deleterious"; PolyPhen-2: "Benign"; Align-GVGD: "Class C0"). In summary, the available evidence is currently insufficient to determine the role of this variant in disease. Therefore, it has been classified as a Variant of Uncertain Significance.